The following is an entry in ClinVar:

ClinVar aggregate classification (germline): Pathogenic (1 of 4 stars; one submission).

Submission:

Labcorp Genetics (formerly Invitae), Labcorp
Classification: Pathogenic. Last evaluated: 2025-07-06. Review status: criteria provided, single submitter. Criteria: Invitae Variant Classification Sherloc (09022015). Collection method: clinical testing. Allele origin: germline.
Comment: This sequence change creates a premature translational stop signal (p.Lys78Asnfs*12) in the FAR1 gene. It is expected to result in an absent or disrupted protein product. Loss-of-function variants in FAR1 are known to be pathogenic (PMID: 25439727, 33586168). This variant is not present in population databases (gnomAD no frequency). This variant has not been reported in the literature in individuals affected with FAR1-related conditions. For these reasons, this variant has been classified as Pathogenic.

Literature cited by the submitters: PubMed 25439727; PubMed 33586168.

NM_032228.6(FAR1):c.234_235del (p.Lys78fs)

Gene: FAR1 (fatty acyl-CoA reductase 1; plus strand). Cytogenetic location: 11p15.3.
Variant type: Deletion.
Coding change: c.234_235del on transcript NM_032228.6 (MANE Select); coding-DNA positions 234 to 235, 2 bases deleted (AA; older notation c.234_235delAA).
Protein change: p.Lys78fs; shifts the reading frame from lysine 78.
Molecular consequence: frameshift variant.
Genome position (GRCh38, 1-based): chr11:13,700,361-13,700,362, AA deleted; deleting any 2 consecutive bases within chr11:13,700,359-13,700,362 gives the same sequence; the c. name uses the placement nearest the transcript's 3' end. VCF-style (leftmost placement, unchanged base first): chr11-13700358-GAA-G. GRCh37 (hg19) VCF-style: chr11-13721905-GAA-G.
Other names: c.234_235del, p.Lys78fs (NM_001441245.1, NM_001441246.1, NM_001441247.1 and 6 more transcripts); short protein forms K78fs.
Identifiers: ClinVar variation 4718132 (VCV004718132.1).